The following is an entry in ClinVar:

NM_001378778.1(MPDZ):c.3532A>T (p.Asn1178Tyr)

Gene: MPDZ (multiple PDZ domain crumbs cell polarity complex component; minus strand). Cytogenetic location: 9p23.
Variant type: single nucleotide variant.
Coding change: c.3532A>T on transcript NM_001378778.1 (MANE Select); coding-DNA position 3532, A replaced by T.
Protein change: p.Asn1178Tyr; replaces asparagine 1178 with tyrosine.
Molecular consequence: missense variant.
Genome position (GRCh38, 1-based): chr9:13,150,609, T>A on the plus strand (A>T on the coding strand, the complement: MPDZ is on the minus strand). VCF-style: chr9-13150609-T-A. GRCh37 (hg19) VCF-style: chr9-13150608-T-A.
Other names: c.3532A>T, p.Asn1178Tyr (NM_001261406.2, NM_001261407.2, NM_001330637.2 and 13 more transcripts); c.3334A>T, p.Asn1112Tyr (NM_001375427.1); short protein forms N1112Y, N1178Y.
Identifiers: ClinVar variation 1972559 (VCV001972559.5), dbSNP rs1949033467, ClinGen allele CA372951091.

ClinVar aggregate classification (germline): Uncertain significance (1 of 4 stars; one submission).

Allele frequency attached by ClinVar (database versions not stated): gnomAD exomes below 0.00001.
gnomAD v4.1: 1 of 1,545,586 alleles (0.000065%); highest among the groups gnomAD compares: Middle Eastern, 0.017%; no homozygotes.

Submission:

Labcorp Genetics (formerly Invitae), Labcorp
Classification: Uncertain significance. Last evaluated: 2022-09-13. Review status: criteria provided, single submitter. Criteria: Invitae Variant Classification Sherloc (09022015). Collection method: clinical testing. Allele origin: germline.
Comment: In summary, the available evidence is currently insufficient to determine the role of this variant in disease. Therefore, it has been classified as a Variant of Uncertain Significance. Algorithms developed to predict the effect of missense changes on protein structure and function (SIFT, PolyPhen-2, Align-GVGD) all suggest that this variant is likely to be disruptive. This variant has not been reported in the literature in individuals affected with MPDZ-related conditions. This variant is not present in population databases (gnomAD no frequency). This sequence change replaces asparagine, which is neutral and polar, with tyrosine, which is neutral and polar, at codon 1178 of the MPDZ protein (p.Asn1178Tyr).